The following is an entry in ClinVar:

ClinVar aggregate classification (germline): Uncertain significance. Review status: criteria provided, multiple submitters, no conflicts (2 of 4 stars). 2 submissions from 2 submitters: Uncertain significance (2). Last evaluated 2024-01-22.

Allele frequency attached by ClinVar (database versions not stated): TOPMed below 0.00001; gnomAD exomes 0.00001.
gnomAD v4.1: 9 of 1,614,104 alleles (0.00056%); highest among the groups gnomAD compares: South Asian, 0.0033%; no homozygotes.

Submissions (2):

Labcorp Genetics (formerly Invitae), Labcorp
Classification: Uncertain significance. Last evaluated: 2024-01-22. Review status: criteria provided, single submitter. Criteria: Invitae Variant Classification Sherloc (09022015). Collection method: clinical testing. Allele origin: germline.
Comment: This sequence change replaces arginine, which is basic and polar, with lysine, which is basic and polar, at codon 632 of the TOPORS protein (p.Arg632Lys). This variant is not present in population databases (gnomAD no frequency). This variant has not been reported in the literature in individuals affected with TOPORS-related conditions. ClinVar contains an entry for this variant (Variation ID: 2190698). Experimental studies and prediction algorithms are not available or were not evaluated, and the functional significance of this variant is currently unknown. In summary, the available evidence is currently insufficient to determine the role of this variant in disease. Therefore, it has been classified as a Variant of Uncertain Significance.

Blueprint Genetics
Classification: Uncertain significance. Last evaluated: 2023-03-07. Review status: criteria provided, single submitter. Criteria: ACMG Guidelines, 2015. Collection method: clinical testing. Allele origin: germline.

NM_005802.5(TOPORS):c.1895G>A (p.Arg632Lys)

Gene: TOPORS (TOP1 binding arginine/serine rich protein, E3 ubiquitin ligase; minus strand). Cytogenetic location: 9p21.1.
Variant type: single nucleotide variant.
Coding change: c.1895G>A on transcript NM_005802.5 (MANE Select); coding-DNA position 1895, G replaced by A.
Protein change: p.Arg632Lys; replaces arginine 632 with lysine.
Molecular consequence: missense variant.
Genome position (GRCh38, 1-based): chr9:32,542,630, C>T on the plus strand (G>A on the coding strand, the complement: TOPORS is on the minus strand). VCF-style: chr9-32542630-C-T. GRCh37 (hg19) VCF-style: chr9-32542628-C-T.
Other names: c.1700G>A, p.Arg567Lys (NM_001195622.2); short protein forms R567K, R632K.
Identifiers: ClinVar variation 2190698 (VCV002190698.5), dbSNP rs1022558998, ClinGen allele CA192358770.